The following is an entry in ClinVar:

NM_001572.5(IRF7):c.535A>G (p.Lys179Glu)

Gene: IRF7 (interferon regulatory factor 7; minus strand). Cytogenetic location: 11p15.5.
Variant type: single nucleotide variant.
Coding change: c.535A>G on transcript NM_001572.5 (MANE Select); coding-DNA position 535, A replaced by G.
Protein change: p.Lys179Glu; replaces lysine 179 with glutamic acid.
Molecular consequence: missense variant.
Genome position (GRCh38, 1-based): chr11:614,318, T>C on the plus strand (A>G on the coding strand, the complement: IRF7 is on the minus strand). VCF-style: chr11-614318-T-C. GRCh37 (hg19) VCF-style: chr11-614318-T-C.
Other names: p.Lys192Glu; c.574A>G (NM_004031.2); c.535A>G, p.Lys179Glu (NM_004029.4); c.574A>G, p.Lys192Glu (NM_004031.4); short protein forms K179E, K192E.
Identifiers: ClinVar variation 1170388 (VCV001170388.16), dbSNP rs1061502, ClinGen allele CA5783918.

ClinVar aggregate classification (germline): Benign. Review status: criteria provided, multiple submitters, no conflicts (2 of 4 stars). 5 submissions from 5 submitters: Benign (5). Last evaluated 2026-02-04.

Conditions:
Immunodeficiency 39 (IMD39). Identifiers: Orphanet 574918, MedGen C4225358, MONDO:0014597, OMIM 616345.

Allele frequency attached by ClinVar (database versions not stated): TOPMed 0.34583; 1000 Genomes Project 0.27556; gnomAD exomes 0.25305 and 0.26479; ExAC 0.26880; gnomAD 0.32586 and 0.33801; 1000 Genomes Project 30x 0.28560; ESP Exome Variant Server 0.37030.

Submissions (5):

Labcorp Genetics (formerly Invitae), Labcorp
Classification: Benign for Immunodeficiency 39. Last evaluated: 2026-02-04. Review status: criteria provided, single submitter. Criteria: Invitae Variant Classification Sherloc (09022015). Collection method: clinical testing. Allele origin: germline.

Mayo Clinic Laboratories, Mayo Clinic
Classification: Benign. Last evaluated: 2025-08-22. Review status: criteria provided, single submitter. Criteria: ACMG Guidelines, 2015. Collection method: clinical testing. Allele origin: germline. Observed: 3 variant alleles.
Comment: BA1, BP4

Unidad de Genómica Garrahan, Hospital de Pediatría Garrahan
Classification: Benign. Last evaluated: 2024-01-24. Review status: criteria provided, single submitter. Criteria: ACMG Guidelines, 2015. Collection method: clinical testing. Allele origin: germline. Affected: no. Observed: 56 variant alleles.
Comment: This variant is classified as Benign based on local population frequency. This variant was detected in 59% of patients studied by a panel of primary immunodeficiencies. Number of patients: 56. Only high quality variants are reported.

Genome-Nilou Lab
Classification: Benign for Immunodeficiency 39. Last evaluated: 2021-07-14. Review status: criteria provided, single submitter. Criteria: ACMG Guidelines, 2015. Collection method: clinical testing. Allele origin: germline. Affected: no.

Breakthrough Genomics
Classification: Benign. Review status: criteria provided, single submitter. Criteria: ACMG Guidelines, 2015. Collection method: not provided. Allele origin: germline. Inheritance: Autosomal recessive inheritance. Affected: yes.